The following is an entry in ClinVar:

NM_001252024.2(TRPM1):c.4624C>T (p.Arg1542Cys)

Gene: TRPM1 (transient receptor potential cation channel subfamily M member 1; minus strand). Cytogenetic location: 15q13.3.
Variant type: single nucleotide variant.
Coding change: c.4624C>T on transcript NM_001252024.2 (MANE Select); coding-DNA position 4624, C replaced by T.
Protein change: p.Arg1542Cys; replaces arginine 1542 with cysteine.
Molecular consequence: missense variant.
Genome position (GRCh38, 1-based): chr15:31,002,076, G>A on the plus strand (C>T on the coding strand, the complement: TRPM1 is on the minus strand). VCF-style: chr15-31002076-G-A. GRCh37 (hg19) VCF-style: chr15-31294279-G-A.
Other names: c.4675C>T, p.Arg1559Cys (NM_001252020.2); c.4558C>T, p.Arg1520Cys (NM_002420.6); c.4558C>T (NM_002420.4); short protein forms R1559C, R1520C, R1542C.
Identifiers: ClinVar variation 1471127 (VCV001471127.7), dbSNP rs774469194, ClinGen allele CA7451605.

ClinVar aggregate classification (germline): Uncertain significance. Review status: criteria provided, multiple submitters, no conflicts (2 of 4 stars). 2 submissions from 2 submitters: Uncertain significance (2). Last evaluated 2022-07-21.

Conditions:
Inborn genetic diseases. Identifiers: MedGen C0950123, MeSH D030342.

Allele frequency attached by ClinVar (database versions not stated): ExAC 0.00001; gnomAD 0.00001 and 0.00003; gnomAD exomes 0.00002; TOPMed 0.00002.
gnomAD v4.1: 27 of 1,614,094 alleles (0.0017%); highest among the groups gnomAD compares: African/African-American, 0.004%; no homozygotes.

Submissions (2):

Ambry Genetics
Classification: Uncertain significance for Inborn genetic diseases. Last evaluated: 2022-07-21. Review status: criteria provided, single submitter. Criteria: Ambry Variant Classification Scheme 2023. Collection method: clinical testing. Allele origin: germline.

Labcorp Genetics (formerly Invitae), Labcorp
Classification: Uncertain significance. Last evaluated: 2022-03-17. Review status: criteria provided, single submitter. Criteria: Invitae Variant Classification Sherloc (09022015). Collection method: clinical testing. Allele origin: germline.
Comment: This sequence change replaces arginine, which is basic and polar, with cysteine, which is neutral and slightly polar, at codon 1520 of the TRPM1 protein (p.Arg1520Cys). This variant is present in population databases (rs774469194, gnomAD 0.007%). This variant has not been reported in the literature in individuals affected with TRPM1-related conditions. Algorithms developed to predict the effect of missense changes on protein structure and function output the following: SIFT: "Deleterious"; PolyPhen-2: "Benign"; Align-GVGD: "Class C0". The cysteine amino acid residue is found in multiple mammalian species, which suggests that this missense change does not adversely affect protein function. In summary, the available evidence is currently insufficient to determine the role of this variant in disease. Therefore, it has been classified as a Variant of Uncertain Significance.